The following is an entry in ClinVar:

ClinVar aggregate classification (germline): Conflicting classifications of pathogenicity. Review status: criteria provided, conflicting classifications (1 of 4 stars). 8 submissions from 8 submitters: Uncertain significance (7); Likely benign (1). Last evaluated 2026-01-18.

Conditions:
Hyperinsulinemic hypoglycemia, familial, 1 (HHF1). Also called: Persistent Hyperinsulinemia Hypoglycemia of Infancy; NESIDIOBLASTOSIS OF PANCREAS; Persistent hyperinsulinemic hypoglycemia of infancy; HYPERINSULINISM, FAMILIAL, WITH PANCREATIC NESIDIOBLASTOSIS; HYPOGLYCEMIA, HYPERINSULINEMIC, OF INFANCY. Identifiers: Orphanet 276575, Orphanet 276598, MedGen C2931832, MONDO:0009734, OMIM 256450.
Leucine-induced hypoglycemia (LIH). Also called: LEUCINE-SENSITIVE HYPOGLYCEMIA OF INFANCY. Identifiers: MedGen C0271714, MONDO:0009415, OMIM 240800.
Type 2 diabetes mellitus. Also called: Type II diabetes mellitus. Identifiers: MedGen C0011860, MeSH D003924, MONDO:0005148, OMIM 125853, HP:0005978.
Diabetes mellitus, permanent neonatal 3. Also called: ABCC8-Related Permanent Neonatal Diabetes Mellitus. Identifiers: MedGen C5394303, MONDO:0030088, OMIM 618857.
Diabetes mellitus, transient neonatal, 2 (TNDM2). Identifiers: Orphanet 99886, MedGen C1835887, MONDO:0012480, OMIM 610374. Disease mechanism: loss of function.
Monogenic diabetes. Identifiers: Orphanet 183625, MedGen C3888631, MONDO:0015967.

Allele frequency attached by ClinVar (database versions not stated): gnomAD exomes 0.00004 and 0.00016; gnomAD 0.00006 and 0.00011; TOPMed 0.00009; ExAC 0.00014; 1000 Genomes Project 30x 0.00109; 1000 Genomes Project 0.00140.
gnomAD v4.1: 74 of 1,613,736 alleles (0.0046%); highest among the groups gnomAD compares: East Asian, 0.13%; no homozygotes.

Submissions (8):

Labcorp Genetics (formerly Invitae), Labcorp
Classification: Likely benign. Last evaluated: 2026-01-18. Review status: criteria provided, single submitter. Criteria: Invitae Variant Classification Sherloc (09022015). Collection method: clinical testing. Allele origin: germline.

Women's Health and Genetics/Laboratory Corporation of America, LabCorp
Classification: Uncertain significance. Last evaluated: 2025-08-19. Review status: criteria provided, single submitter. Criteria: LabCorp Variant Classification Summary - May 2015. Collection method: clinical testing. Allele origin: germline.
Comment: Variant summary: ABCC8 c.3976G>A (p.Glu1326Lys) results in a conservative amino acid change in the encoded protein sequence. Algorithms developed to predict the effect of missense changes on protein structure and function are either unavailable or do not agree on the potential impact of this missense change. The variant allele was found at a frequency of 0.00016 in 251034 control chromosomes, predominantly at a frequency of 0.0021 within the East Asian subpopulation in the gnomAD database. This frequency is not significantly higher than estimated for a pathogenic variant in ABCC8 causing Familial Hyperinsulinism (0.00016 vs 0.0034), allowing no conclusion about variant significance. c.3976G>A has been reported in the literature in individuals affected with Early Onset Diabetes and Congenital Hyperinsulinism (examples: Ellard_2007, Bennett_2015, Du_2019, Dron_2020, Li_2021, Wang_2023). To our knowledge, no experimental evidence demonstrating an impact on protein function has been reported. The following publications have been ascertained in the context of this evaluation (PMID: 25555642, 32041611, 31002010, 17668386, 33300273, 36626423). ClinVar contains an entry for this variant (Variation ID: 288731). Based on the evidence outlined above, the variant was classified as uncertain significance.

GeneDx
Classification: Uncertain significance. Last evaluated: 2025-05-19. Review status: criteria provided, single submitter. Criteria: GeneDx Variant Classification Process June 2021. Collection method: clinical testing. Allele origin: germline. Affected: yes.
Comment: Reported in association with permanent neonatal diabetes, MODY, and congenital hyperinsulinism in published literature (PMID: 17668386, 36626423, 25555642); In silico analysis supports that this missense variant has a deleterious effect on protein structure/function; This variant is associated with the following publications: (PMID: 33300273, 34487539, 32041611, 31002010, 33007923, 32934261, 25555642, 17668386, 36626423, 35277138)

Blueprint Genetics
Classification: Uncertain significance. Last evaluated: 2024-06-28. Review status: criteria provided, single submitter. Criteria: ACMG Guidelines, 2015. Collection method: clinical testing. Allele origin: germline.

Fulgent Genetics
Classification: Uncertain significance for Type 2 diabetes mellitus; Leucine-induced hypoglycemia; Hyperinsulinemic hypoglycemia, familial, 1; Diabetes mellitus, transient neonatal, 2; Diabetes mellitus, permanent neonatal 3. Last evaluated: 2024-06-04. Review status: criteria provided, single submitter. Criteria: ACMG Guidelines, 2015. Collection method: clinical testing. Allele origin: germline.

Myriad Genetics, Inc.
Classification: Uncertain significance for Hyperinsulinemic hypoglycemia, familial, 1. Last evaluated: 2021-11-04. Review status: criteria provided, single submitter. Criteria: Myriad Women's Health Autosomal Recessive and X-Linked Classification Criteria (2021). Collection method: clinical testing. Allele origin: unknown.
Comment: NM_000352.3(ABCC8):c.3976G>A(E1326K) is a missense variant classified as a variant of uncertain significance in the context of familial hyperinsulinism, ABCC8-related. E1326K has been observed in cases with relevant disease (PMID 31002010, 17668386, 25555642). Functional assessments of this variant are not available in the literature. E1326K has been observed in population frequency databases (gnomAD: EAS 0.2%). In summary, there is insufficient evidence to classify NM_000352.3(ABCC8):c.3976G>A(E1326K) as pathogenic or benign. Please note: this variant was assessed in the context of healthy population screening.

Personalized Diabetes Medicine Program, University of Maryland School of Medicine
Classification: Uncertain significance for Monogenic diabetes. Last evaluated: 2017-08-01. Review status: criteria provided, single submitter. Criteria: ACMG Guidelines, 2015. Collection method: research. Allele origin: unknown. Observed: 1 variant allele, 1 heterozygote. Study: Personalized Diabetes Medicine Program.
Comment: ACMG Criteria:PP3 (6 predictors), BP4 (5 predictors)

Eurofins Ntd Llc (ga)
Classification: Uncertain significance. Last evaluated: 2016-06-10. Review status: criteria provided, single submitter. Criteria: EGL Classification Definitions 2015. Collection method: clinical testing. Allele origin: germline. Observed: 1 variant allele, 1 heterozygote.

Literature cited by the submitters: PubMed 17668386 (cited by Women's Health and Genetics/Laboratory Corporation of America, LabCorp and Myriad Genetics, Inc.); PubMed 25555642 (cited by Women's Health and Genetics/Laboratory Corporation of America, LabCorp and Myriad Genetics, Inc.); PubMed 32041611 (cited by Women's Health and Genetics/Laboratory Corporation of America, LabCorp); PubMed 31002010 (cited by Women's Health and Genetics/Laboratory Corporation of America, LabCorp and Myriad Genetics, Inc.); PubMed 33300273 (cited by Women's Health and Genetics/Laboratory Corporation of America, LabCorp); PubMed 36626423 (cited by Women's Health and Genetics/Laboratory Corporation of America, LabCorp).

NM_000352.6(ABCC8):c.3976G>A (p.Glu1326Lys)

Gene: ABCC8 (ATP binding cassette subfamily C member 8; minus strand). Cytogenetic location: 11p15.1.
Variant type: single nucleotide variant.
Coding change: c.3976G>A on transcript NM_000352.6 (MANE Select); coding-DNA position 3976, G replaced by A.
Protein change: p.Glu1326Lys; replaces glutamic acid 1326 with lysine.
Molecular consequence: missense variant. On other transcripts: non-coding transcript variant (1).
Genome position (GRCh38, 1-based): chr11:17,397,205, C>T on the plus strand (G>A on the coding strand, the complement: ABCC8 is on the minus strand). VCF-style: chr11-17397205-C-T. GRCh37 (hg19) VCF-style: chr11-17418752-C-T.
Other names: c.3976G>A (NM_000352.3); c.3979G>A, p.Glu1327Lys (NM_001287174.3); c.4042G>A, p.Glu1348Lys (NM_001351295.2); c.3976G>A, p.Glu1326Lys (NM_001351296.2); c.3973G>A, p.Glu1325Lys (NM_001351297.2); short protein forms E1326K, E1327K, E1348K, E1325K.
Identifiers: ClinVar variation 288731 (VCV000288731.23), dbSNP rs200563930, ClinGen allele CA5902631.
Genomic context (GRCh38, chr11:17,397,205, plus strand): 5'-CACACTCCTCCTTGGACTCTTCCCCACCCCTCTCCCTGAGCCTCTCACCCAGGAGCCCCT[C>T]GTAGCTCTCTGCCTCGGTTTTCAGGAGCCCATGGATGCGCTTCACAGCCCCCAGCTGGAG-3'
Protein context (NP_000343.2, residues 1316-1336): GLLKTEAESY[Glu1326Lys]GLLAPSLIPK